The following is an entry in ClinVar:

ClinVar aggregate classification (germline): Pathogenic (1 of 4 stars; one submission).

Conditions:
Combined immunodeficiency due to ORAI1 deficiency. Also called: IMMUNODEFICIENCY 9. Identifiers: Orphanet 169090, Orphanet 317428, MedGen C2748568, MONDO:0013007, OMIM 612782.
Myopathy, tubular aggregate, 2 (TAM2). Identifiers: MedGen C4014557, MONDO:0014383, OMIM 615883.

Submission:

Labcorp Genetics (formerly Invitae), Labcorp
Classification: Pathogenic for Myopathy, tubular aggregate, 2; Combined immunodeficiency due to ORAI1 deficiency. Last evaluated: 2024-02-26. Review status: criteria provided, single submitter. Criteria: Invitae Variant Classification Sherloc (09022015). Collection method: clinical testing. Allele origin: germline.
Comment: This sequence change creates a premature translational stop signal (p.Glu173*) in the ORAI1 gene. While this is not anticipated to result in nonsense mediated decay, it is expected to disrupt the last 129 amino acid(s) of the ORAI1 protein. This variant is not present in population databases (gnomAD no frequency). This variant has not been reported in the literature in individuals affected with ORAI1-related conditions. This variant disrupts a region of the ORAI1 protein in which other variant(s) (p.Leu194Pro) have been determined to be pathogenic (PMID: 20004786, 27066545, 29155098). This suggests that this is a clinically significant region of the protein, and that variants that disrupt it are likely to be disease-causing. For these reasons, this variant has been classified as Pathogenic.

Literature cited by the submitters: PubMed 20004786; PubMed 27066545; PubMed 29155098.

NC_000012.12:g.121641254G>T

Gene: ORAI1 (ORAI calcium release-activated calcium modulator 1; plus strand). Cytogenetic location: 12q24.31.
Variant type: single nucleotide variant.
Molecular consequence: non-coding transcript variant (on NR_186857.1).
Genome position: GRCh38 VCF-style: chr12-121641254-G-T. GRCh37 (hg19) VCF-style: chr12-122079160-G-T.
Identifiers: ClinVar variation 3754970 (VCV003754970.2).